The following is an entry in ClinVar:

NM_152393.4(KLHL40):c.134del (p.Pro45fs)

Gene: KLHL40 (kelch like family member 40; plus strand). Cytogenetic location: 3p22.1.
Variant type: Deletion.
Coding change: c.134del on transcript NM_152393.4 (MANE Select); coding-DNA position 134, one base deleted (C; older notation c.134delC).
Protein change: p.Pro45fs; shifts the reading frame from proline 45.
Molecular consequence: frameshift variant.
Genome position (GRCh38, 1-based): chr3:42,685,752, C deleted; the last of 3 consecutive C bases (chr3:42,685,750-42,685,752); deleting any one gives the same sequence. VCF-style (leftmost placement, unchanged base first): chr3-42685749-TC-T. GRCh37 (hg19) VCF-style: chr3-42727241-TC-T.
Other names: short protein forms P45fs.
Identifiers: ClinVar variation 3720495 (VCV003720495.2).
Genomic context (GRCh38, chr3:42,685,749, plus strand): 5'-AAGACATGCTGGACCATGGCAAGTTCCTCGACTGTGTGGTGCGGGCGGGCGAGCGCGAGT[TC>T]CCGTGCCATCGCCTGGTGCTGGCCGCCTGCAGCCCCTACTTCCGGGCGCGCTTTCTAGCC-3'

ClinVar aggregate classification (germline): Pathogenic (1 of 4 stars; one submission).

Conditions:
Nemaline myopathy 8 (NEM8). Also called: Nemaline myopathy 8, autosomal recessive. Identifiers: Orphanet 171430, MedGen C3809209, MONDO:0014138, OMIM 615348.

Submission:

Labcorp Genetics (formerly Invitae), Labcorp
Classification: Pathogenic for Nemaline myopathy 8. Last evaluated: 2024-05-13. Review status: criteria provided, single submitter. Criteria: Invitae Variant Classification Sherloc (09022015). Collection method: clinical testing. Allele origin: germline.
Comment: This sequence change creates a premature translational stop signal (p.Pro45Argfs*19) in the KLHL40 gene. It is expected to result in an absent or disrupted protein product. Loss-of-function variants in KLHL40 are known to be pathogenic (PMID: 23746549). This variant is not present in population databases (gnomAD no frequency). This premature translational stop signal has been observed in individual(s) with KLHL40-related conditions (PMID: 23746549). For these reasons, this variant has been classified as Pathogenic.

Literature cited by the submitters: PubMed 23746549.